The following is an entry in ClinVar:

ClinVar aggregate classification (germline): Uncertain significance. Review status: criteria provided, multiple submitters, no conflicts (2 of 4 stars). 3 submissions from 3 submitters: Uncertain significance (3). Last evaluated 2023-12-19.

Conditions:
Hereditary nonpolyposis colorectal neoplasms. Identifiers: MedGen C0009405, MeSH D003123.
Hereditary cancer-predisposing syndrome. Also called: Hereditary Cancer Syndrome; Tumor predisposition; Hereditary neoplastic syndrome; Neoplastic Syndromes, Hereditary. Identifiers: Orphanet 140162, MedGen C0027672, MeSH D009386, MONDO:0015356.
Endometrial carcinoma. Also called: Endometrial carcinoma, somatic. Identifiers: MedGen C0476089, MONDO:0002447, OMIM 608089, HP:0012114.

Allele frequency attached by ClinVar (database versions not stated): gnomAD exomes below 0.00001.
gnomAD v4.1: 1 of 1,614,142 alleles (0.000062%); highest among the groups gnomAD compares: Non-Finnish European, 0.000085%; no homozygotes.

Submissions (3):

Baylor Genetics
Classification: Uncertain significance for Endometrial carcinoma. Last evaluated: 2023-12-19. Review status: criteria provided, single submitter. Criteria: ACMG Guidelines, 2015. Collection method: clinical testing. Allele origin: unknown.

Ambry Genetics
Classification: Uncertain significance for Hereditary cancer-predisposing syndrome. Last evaluated: 2023-07-20. Review status: criteria provided, single submitter. Criteria: Ambry Variant Classification Scheme 2023. Collection method: clinical testing. Allele origin: germline.
Comment: The p.I1115V variant (also known as c.3343A>G), located in coding exon 5 of the MSH6 gene, results from an A to G substitution at nucleotide position 3343. The isoleucine at codon 1115 is replaced by valine, an amino acid with highly similar properties. This amino acid position is highly conserved in available vertebrate species. In addition, the in silico prediction for this alteration is inconclusive. Since supporting evidence is limited at this time, the clinical significance of this alteration remains unclear.

Labcorp Genetics (formerly Invitae), Labcorp
Classification: Uncertain significance for Hereditary nonpolyposis colorectal neoplasms. Last evaluated: 2021-08-01. Review status: criteria provided, single submitter. Criteria: Invitae Variant Classification Sherloc (09022015). Collection method: clinical testing. Allele origin: germline.
Comment: This sequence change replaces isoleucine with valine at codon 1115 of the MSH6 protein (p.Ile1115Val). The isoleucine residue is moderately conserved and there is a small physicochemical difference between isoleucine and valine. This variant is not present in population databases (ExAC no frequency). This variant has not been reported in the literature in individuals with MSH6-related disease. Algorithms developed to predict the effect of missense changes on protein structure and function are either unavailable or do not agree on the potential impact of this missense change (SIFT: "Tolerated"; PolyPhen-2: "Probably Damaging"; Align-GVGD: "Class C0"). Algorithms developed to predict the effect of sequence changes on RNA splicing suggest that this variant may create or strengthen a splice site, but this prediction has not been confirmed by published transcriptional studies. In summary, the available evidence is currently insufficient to determine the role of this variant in disease. Therefore, it has been classified as a Variant of Uncertain Significance.

NM_000179.3(MSH6):c.3343A>G (p.Ile1115Val)

Gene: MSH6 (mutS homolog 6; plus strand). Cytogenetic location: 2p16.3.
Variant type: single nucleotide variant.
Coding change: c.3343A>G on transcript NM_000179.3 (MANE Select); coding-DNA position 3343, A replaced by G.
Protein change: p.Ile1115Val; replaces isoleucine 1115 with valine.
Molecular consequence: missense variant.
Genome position (GRCh38, 1-based): chr2:47,803,590, A>G. VCF-style: chr2-47803590-A-G. GRCh37 (hg19) VCF-style: chr2-48030729-A-G.
Other names: c.2953A>G, p.Ile985Val (NM_001281492.2); c.2437A>G, p.Ile813Val (NM_001281493.2, NM_001281494.2); short protein forms I1115V, I813V, I985V.
Identifiers: ClinVar variation 647827 (VCV000647827.12), dbSNP rs1572735738, ClinGen allele CA346758743.